The following is an entry in ClinVar:

ClinVar aggregate classification (germline): Uncertain significance (1 of 4 stars; one submission).

Conditions:
Hereditary cancer-predisposing syndrome. Also called: Neoplastic Syndromes, Hereditary; Tumor predisposition; Hereditary neoplastic syndrome; Hereditary Cancer Syndrome. Identifiers: Orphanet 140162, MedGen C0027672, MeSH D009386, MONDO:0015356.

Submission:

Ambry Genetics
Classification: Uncertain significance for Hereditary cancer-predisposing syndrome. Last evaluated: 2024-02-24. Review status: criteria provided, single submitter. Criteria: Ambry Variant Classification Scheme 2023. Collection method: clinical testing. Allele origin: germline.
Comment: The p.L93V variant (also known as c.277C>G), located in coding exon 3 of the TSC1 gene, results from a C to G substitution at nucleotide position 277. The leucine at codon 93 is replaced by valine, an amino acid with highly similar properties. This amino acid position is conserved. In addition, this alteration is predicted to be deleterious by in silico analysis. Based on the available evidence, the clinical significance of this alteration remains unclear.

NM_000368.5(TSC1):c.277C>G (p.Leu93Val)

Gene: TSC1 (TSC complex subunit 1; minus strand). Cytogenetic location: 9q34.13.
Variant type: single nucleotide variant.
Coding change: c.277C>G on transcript NM_000368.5 (MANE Select); coding-DNA position 277, C replaced by G.
Protein change: p.Leu93Val; replaces leucine 93 with valine.
Molecular consequence: missense variant. On other transcripts: 5 prime UTR variant (18), non-coding transcript variant (5), intron variant (5).
Genome position (GRCh38, 1-based): chr9:132,925,673, G>C on the plus strand (C>G on the coding strand, the complement: TSC1 is on the minus strand). VCF-style: chr9-132925673-G-C. GRCh37 (hg19) VCF-style: chr9-135801060-G-C.
Other names: c.277C>G, p.Leu93Val (NM_001162426.2, NM_001406592.1, NM_001406593.1 and 16 more transcripts); c.-87C>G (NM_001362177.2, NM_001406617.1, NM_001406618.1 and 5 more transcripts); c.-179C>G (NM_001406614.1, NM_001406616.1, NM_001406624.1); c.-212C>G (NM_001406615.1, NM_001406623.1); c.-601C>G (NM_001406626.1, NM_001406627.1, NM_001406628.1); c.-743C>G (NM_001406629.1); c.-817C>G (NM_001406630.1); c.210+1528C>G (NM_001406613.1, NM_001406612.1, NM_001406610.1 and 2 more transcripts); short protein forms L93V.
Identifiers: ClinVar variation 3231307 (VCV003231307.1), dbSNP rs2132234776, ClinGen allele CA375374613.